The following is an entry in ClinVar:

ClinVar aggregate classification (germline): Uncertain significance. Review status: criteria provided, multiple submitters, no conflicts (2 of 4 stars). 2 submissions from 2 submitters: Uncertain significance (2). Last evaluated 2024-11-21.

Conditions:
Congenital diarrhea 5 with tufting enteropathy. Also called: Congenital tufting enteropathy; INTESTINAL EPITHELIAL CELL DYSPLASIA. Identifiers: Orphanet 92050, MedGen C2750737, MONDO:0013184, OMIM 613217.

Submissions (2):

Intergen Genetics and Rare Diseases Diagnosis Center
Classification: Uncertain significance for Congenital diarrhea 5 with tufting enteropathy. Last evaluated: 2024-11-21. Review status: criteria provided, single submitter. Criteria: ACMG Guidelines, 2015. Collection method: clinical testing. Allele origin: germline. Inheritance: Autosomal recessive inheritance. Affected: yes. Observed: 1 homozygote.
Comment: PM2, PM4, PP5.

Neuberg Centre For Genomic Medicine, NCGM
Classification: Uncertain significance for Congenital diarrhea 5 with tufting enteropathy. Review status: criteria provided, single submitter. Criteria: ACMG Guidelines, 2015. Collection method: clinical testing. Allele origin: germline. Inheritance: Autosomal recessive inheritance. Affected: yes.
Comment: The inframe deletion variant c.509_511del (p.Ile170del) in EPCAM has not been reported previously as a pathogenic variant nor as a benign variant, to our knowledge. This p.Ile170del causes deletion of amino acid Isoleucine at position 170. The p.Ile170del variant is reported with the allele frequency of 0.0003979% in gnomAD and is novel (not in any individuals) in 1000 Genomes. Since the deletion is an inframe deletion it is not expected to cause protein truncation.For these reasons, this variant has been classified as uncertain significance.

NM_002354.3(EPCAM):c.509_511del (p.Ile170del)

Gene: EPCAM (epithelial cell adhesion molecule; plus strand). Cytogenetic location: 2p21.
Variant type: Deletion.
Coding change: c.509_511del on transcript NM_002354.3 (MANE Select); coding-DNA positions 509 to 511, 3 bases deleted (TCA; older notation c.509_511delTCA).
Protein change: p.Ile170del; deletes isoleucine 170.
Molecular consequence: inframe deletion.
Genome position (GRCh38, 1-based): chr2:47,377,031-47,377,033, TCA deleted; deleting any 3 consecutive bases within chr2:47,377,030-47,377,033 gives the same sequence; the c. name uses the placement nearest the transcript's 3' end. VCF-style (leftmost placement, unchanged base first): chr2-47377029-GATC-G. GRCh37 (hg19) VCF-style: chr2-47604168-GATC-G.
Other names: short protein forms I170del.
Identifiers: ClinVar variation 2585459 (VCV002585459.2), dbSNP rs1558436866, ClinGen allele CA532337731.